The following is an entry in ClinVar:

NM_057169.5(GIT2):c.1655C>T (p.Ala552Val)

Gene: GIT2 (GIT ArfGAP 2; minus strand). Cytogenetic location: 12q24.11.
Variant type: single nucleotide variant.
Coding change: c.1655C>T on transcript NM_057169.5 (MANE Select); coding-DNA position 1655, C replaced by T.
Protein change: p.Ala552Val; replaces alanine 552 with valine.
Molecular consequence: missense variant. On other transcripts: intron variant (4).
Genome position (GRCh38, 1-based): chr12:109,945,336, G>A on the plus strand (C>T on the coding strand, the complement: GIT2 is on the minus strand). VCF-style: chr12-109945336-G-A. GRCh37 (hg19) VCF-style: chr12-110383141-G-A.
Other names: c.1502C>T, p.Ala501Val (NM_001330153.2); c.1491+1920C>T (NM_014776.5); c.1347+5876C>T (NM_057170.5); c.1641+1920C>T (NM_001135214.3); c.1497+1920C>T (NM_001135213.3); short protein forms A501V, A552V.
Identifiers: ClinVar variation 1276394 (VCV001276394.2), dbSNP rs11068997, ClinGen allele CA6781633.
Genomic context (GRCh38, chr12:109,945,336, plus strand): 5'-TCCCTCGACCAGGAAAGTGTGGAGGGGAAGGAAGGCAGAGATGAAGAGGAGGTCACAAGT[G>A]CACTCCTCCCGATCTGGAATGGGAAAGAGAAACACACTCGGGAAAATACAAAACAAACCA-3'
Protein context (NP_476510.1, residues 542-562): QPFPAHIGRS[Ala552Val]LVTSSSSLPS

ClinVar aggregate classification (germline): Benign. Review status: criteria provided, multiple submitters, no conflicts (2 of 4 stars). 2 submissions from 2 submitters: Benign (2). Last evaluated 2018-07-13.

Allele frequency attached by ClinVar (database versions not stated): gnomAD exomes 0.03274 and 0.03969; ExAC 0.05022; gnomAD 0.05204 and 0.05220; ESP Exome Variant Server 0.05344; TOPMed 0.05430; 1000 Genomes Project 30x 0.06262; 1000 Genomes Project 0.06490.

Submissions (2):

GeneDx
Classification: Benign. Last evaluated: 2018-07-13. Review status: criteria provided, single submitter. Criteria: GeneDx Variant Classification Process June 2021. Collection method: clinical testing. Allele origin: germline. Affected: yes.
Comment: This variant is associated with the following publications: (PMID: 29874175)

Breakthrough Genomics
Classification: Benign. Review status: criteria provided, single submitter. Criteria: ACMG Guidelines, 2015. Collection method: not provided. Allele origin: germline. Inheritance: Unknown mechanism. Affected: yes.